The following continues an entry in ClinVar:

NM_138694.4(PKHD1):c.664A>G (p.Ile222Val)

Gene: PKHD1. ClinVar aggregate classification (germline): Pathogenic/Likely pathogenic. Pathogenic (22); Likely pathogenic (4).

Submissions 18 to 26 of 26:

Myriad Genetics, Inc.
Classification: Pathogenic for Polycystic kidney disease 4. Last evaluated: 2019-12-26. Review status: criteria provided, single submitter. Criteria: Myriad Women's Health Autosomal Recessive and X-Linked Classification Criteria (2019). Collection method: clinical testing. Allele origin: unknown.
Comment: NM_138694.3(PKHD1):c.664A>G(I222V) is classified as pathogenic in the context of PKHD1-related, autosomal recessive polycystic kidney disease. Sources cited for classification include the following: PMID 19914852, 15698423, 12846734, 19940839, 11919560 and 12925574. Classification of NM_138694.3(PKHD1):c.664A>G(I222V) is based on the following criteria: This is a well-established pathogenic variant in the literature that has been observed more frequently in patients with clinical diagnoses than in healthy populations. Please note: this variant was assessed in the context of healthy population screening.

Mendelics
Classification: Pathogenic for Polycystic kidney disease 4. Last evaluated: 2019-05-28. Review status: criteria provided, single submitter. Criteria: Mendelics Assertion Criteria 2017. Collection method: clinical testing. Allele origin: unknown.

Institute of Human Genetics, University of Leipzig Medical Center
Classification: Pathogenic for Polycystic kidney disease 4. Last evaluated: 2019-01-01. Review status: criteria provided, single submitter. Criteria: ACMG Guidelines, 2015. Collection method: clinical testing. Allele origin: unknown. Affected: yes.

Illumina Laboratory Services, Illumina
Classification: Pathogenic for Polycystic kidney disease 4. Last evaluated: 2018-11-01. Review status: criteria provided, single submitter. Criteria: ICSL Variant Classification Criteria 09 May 2019. Collection method: clinical testing. Allele origin: germline.
Comment: The PKHD1 c.664A>G (p.Ile222Val) missense variant has been reported in six studies and in a total of 18 individuals with autosomal recessive polycystic kidney disease, all in a compound heterozygous state (Ward et al. 2002; Onuchic et al. 2002; Rossetti et al. 2003; Bergmann et al. 2003; Gunay-Aygun et al. 2010; Brinkert et al. 2013). Segregation with disease has been shown in seven families (Ward et al. 2002; Onuchic et al. 2002; Rossetti et al. 2003; Bergmann et al. 2003; Gunay-Aygun et al. 2010). The p.Ile222Val variant was absent from 460 controls and is reported at a frequency of 0.000494 in the Ashkenazi Jewish population in the Genome Aggregation Database. Based on the collective evidence, the p.Ile2331Lys variant is classified as pathogenic for autosomal recessive polycystic disease. This variant was observed by ICSL as part of a predisposition screen in an ostensibly healthy population.

Victorian Clinical Genetics Services, Murdoch Childrens Research Institute
Classification: Pathogenic for Polycystic kidney disease 4. Last evaluated: 2018-05-21. Review status: criteria provided, single submitter. Criteria: ACMG Guidelines, 2015. Collection method: clinical testing. Allele origin: unknown. Affected: yes.
Comment: A heterozygous missense variant, NM_138694.3(PKHD1):c.664A>G, has been identified in exon 9 of 67 of the PKHD1 gene. The variant is predicted to result in a minor amino acid change from isoleucine to valine at position 222 of the protein (NP_619639.3(PKHD1):p.(Ile222Val). The isoleucine residue at this position has very high conservation (100 vertebrates, UCSC), but is not located within any domains. In-silico predictions for this variant are consistently benign (Polyphen, SIFT, CADD, Mutation Taster). The variant is present in the database at a frequency of 0.01% (28/276558 heterozygotes and 0 homozygotes). The variant has been previously described as pathogenic in multiple patients with polycystic kidney disease (Onuchic, L. et al. 2002, Rosetti S. et al. 2003, Obeidova L. et al. 2015, Gunay-Aygun M. et al. 2010). It has also been shown to segregate with the disease in at least one family (Ward C. et al. 2002). Based on the information available at the time of curation, this variant has been classified as PATHOGENIC. The presence of these two variants suggests a possible compound heterozygous mode of inheritance which could be consistent with polycystic kidney disease.

Women's Health and Genetics/Laboratory Corporation of America, LabCorp
Classification: Pathogenic for Autosomal recessive polycystic kidney disease. Last evaluated: 2016-11-23. Review status: criteria provided, single submitter. Criteria: LabCorp Variant Classification Summary - May 2015. Collection method: clinical testing. Allele origin: germline.
Comment: Variant summary: The PKHD1 c.664A>G (p.Ile222Val) variant involves the alteration of a conserved nucleotide. 2/3 in silico tools predict a benign outcome for this variant. 4/5 splice prediction tools predict no significant impact on normal splicing. ESE finder predicts that this variant may affect multiple ESE sites. However, these predictions have yet to be confirmed by functional studies. This variant was found in 12/120972 control chromosomes at a frequency of 0.0000992, which does not exceed the estimated maximal expected allele frequency of a pathogenic PKHD1 variant (0.0070711). This variant has been reported in numerous ARPKD patients. Taken together, this variant is classified as pathogenic.

Baylor Genetics
Classification: Pathogenic for Polycystic kidney disease 4. Review status: criteria provided, single submitter. Criteria: ACMG Guidelines, 2015. Collection method: clinical testing. Allele origin: germline.

Broad Center for Mendelian Genomics, Broad Institute of MIT and Harvard
Classification: Pathogenic for Polycystic kidney disease 4. Review status: criteria provided, single submitter. Criteria: ACMG Guidelines, 2015. Collection method: research. Allele origin: germline. Inheritance: Autosomal recessive inheritance. Affected: yes. Observed: 1 variant allele, 1 compound heterozygote. Study: Broad Institute Center for Mendelian Genomics (CMG).
Comment: The p.Ile222Val variant is believed to be pathogenic based on numberous reports by other laboratories in the literature (Onuchic 2002, Bergmann 2005, Sharp 2005, Gunay-Aygun 2010).

Kariminejad - Najmabadi Pathology & Genetics Center
Classification: Pathogenic for Polycystic kidney disease 4. Review status: criteria provided, single submitter. Criteria: ACMG Guidelines, 2015. Collection method: clinical testing. Allele origin: germline. Affected: no.

Literature cited by the submitters: PubMed 11898128 (cited by 4 submitters); PubMed 19914852 (cited by 7 submitters); PubMed 15698423 (cited by 5 submitters); PubMed 12846734 (cited by 5 submitters); PubMed 26695994 (cited by 3 submitters); PubMed 11919560 (cited by 4 submitters); PubMed 12506140 (cited by 3 submitters); PubMed 33532864 (cited by Molecular Biology Laboratory, Fundació Puigvert); PubMed 19940839 (cited by Myriad Genetics, Inc.); PubMed 12925574 (cited by Myriad Genetics, Inc.); PubMed 20413436 (cited by Illumina Laboratory Services, Illumina); PubMed 23582048 (cited by Illumina Laboratory Services, Illumina); PubMed 25701400 (cited by Women's Health and Genetics/Laboratory Corporation of America, LabCorp); PubMed 15805161 (cited by Broad Center for Mendelian Genomics, Broad Institute of MIT and Harvard).